The following is an entry in ClinVar:

ClinVar aggregate classification (germline): Conflicting classifications of pathogenicity. Review status: criteria provided, conflicting classifications (1 of 4 stars). 2 submissions from 2 submitters: Uncertain significance (1); Likely benign (1). Last evaluated 2026-03-01.

Conditions:
Neurodevelopmental disorder with hypotonia, brain anomalies, distinctive facies, and absent language. Also called: RNU4-2–Related Autosomal Dominant Neurodevelopmental Disorder; ReNU SYNDROME; RNU4-2-Related Neurodevelopmental Disorder. Identifiers: Orphanet 686488, MedGen C5935628, MONDO:0971172, OMIM 620851.

Submissions (2):

CeGaT Center for Human Genetics Tuebingen
Classification: Likely benign. Last evaluated: 2026-03-01. Review status: criteria provided, single submitter. Criteria: CeGaT Center For Human Genetics Tuebingen Variant Classification Criteria Version 2. Collection method: clinical testing. Allele origin: germline. Affected: yes. Observed: 1 variant allele.
Comment: RNU4-2: BS2

Centre for Population Genomics, CPG
Classification: Uncertain significance for RNU4-2-Related Neurodevelopmental Disorder. Last evaluated: 2026-02-11. Review status: criteria provided, single submitter. Criteria: Ellingford et al. (Genome Med. 2022). Collection method: research. Allele origin: germline. Inheritance: Autosomal recessive inheritance. Affected: yes. Observed: 1 variant allele, 1 compound heterozygote.
Comment: PM2_supp

NR_003137.3(RNU4-2):n.22C>T

Genes: RNU4-2 (RNA, U4 small nuclear 2; minus strand), SIRT4 (sirtuin 4; plus strand). Cytogenetic location: 12q24.23.
Variant type: single nucleotide variant.
Molecular consequence: non-coding transcript variant (on NR_003137.3).
Genome position: GRCh38 VCF-style: chr12-120291882-G-A. GRCh37 (hg19) VCF-style: chr12-120729685-G-A.
Identifiers: ClinVar variation 4795810 (VCV004795810.5).